The following is an entry in ClinVar:

ClinVar aggregate classification (germline): Uncertain significance. Review status: criteria provided, multiple submitters, no conflicts (2 of 4 stars). 2 submissions from 2 submitters: Uncertain significance (2). Last evaluated 2025-04-26.

Conditions:
CTNND2-related disorder. Also called: CTNND2-related condition.
Inborn genetic diseases. Identifiers: MedGen C0950123, MeSH D030342.

Allele frequency attached by ClinVar (database versions not stated): gnomAD 0.00008; TOPMed 0.00021.
gnomAD v4.1: 24 of 1,613,724 alleles (0.0015%); highest among the groups gnomAD compares: Admixed American, 0.025%; no homozygotes.

Submissions (2):

PreventionGenetics, part of Exact Sciences
Classification: Uncertain significance for CTNND2-related condition. Last evaluated: 2025-04-26. Review status: criteria provided, single submitter. Criteria: ACMG Guidelines, 2015. Collection method: clinical testing. Allele origin: germline.
Comment: The CTNND2 c.1319G>T variant is predicted to result in the amino acid substitution p.Ser440Ile. To our knowledge, this variant has not been reported in the literature. This variant is reported in 0.0058% of alleles in individuals of Latino descent in gnomAD. At this time, the clinical significance of this variant is uncertain due to the absence of conclusive functional and genetic evidence.

Ambry Genetics
Classification: Uncertain significance for Inborn genetic diseases. Last evaluated: 2022-10-03. Review status: criteria provided, single submitter. Criteria: Ambry Variant Classification Scheme 2023. Collection method: clinical testing. Allele origin: germline.

NM_001332.4(CTNND2):c.1319G>T (p.Ser440Ile)

Gene: CTNND2 (catenin delta 2; minus strand). Cytogenetic location: 5p15.2.
Variant type: single nucleotide variant.
Coding change: c.1319G>T on transcript NM_001332.4 (MANE Select); coding-DNA position 1319, G replaced by T.
Protein change: p.Ser440Ile; replaces serine 440 with isoleucine.
Molecular consequence: missense variant. On other transcripts: non-coding transcript variant (1).
Genome position (GRCh38, 1-based): chr5:11,364,749, C>A on the plus strand (G>T on the coding strand, the complement: CTNND2 is on the minus strand). VCF-style: chr5-11364749-C-A. GRCh37 (hg19) VCF-style: chr5-11364861-C-A.
Other names: c.1319G>T (NM_001332.3); c.1046G>T, p.Ser349Ile (NM_001288715.1); c.308G>T, p.Ser103Ile (NM_001288716.1, NM_001364128.2); c.20G>T, p.Ser7Ile (NM_001288717.2); short protein forms S103I, S349I, S7I, S440I.
Identifiers: ClinVar variation 2228929 (VCV002228929.3), dbSNP rs897851304, ClinGen allele CA114392363.
Genomic context (GRCh38, chr5:11,364,749, plus strand): 5'-TACACACCTGTGCTCGTGCGGTAGGTGCCGGTGTGTGCTGGCGGCAGAGGGTCCCCCTGG[C>A]TCTGGCTGAGACTCCTCATAGGGGGCTTCTGATAGACGCGGTCTTCATAGATGGGATCTA-3'
Protein context (NP_001323.1, residues 430-450): QKPPMRSLSQ[Ser440Ile]QGDPLPPAHT